The following is an entry in ClinVar:

ClinVar aggregate classification (germline): Likely benign. Review status: criteria provided, multiple submitters, no conflicts (2 of 4 stars). 3 submissions from 3 submitters: Likely benign (3). Last evaluated 2024-12-10.

Conditions:
Multiple endocrine neoplasia, type 1 (MEN1). Also called: MEN I; WERMER SYNDROME; Endocrine adenomatosis multiple; MEN 1; MEA I. Identifiers: Orphanet 652, MedGen C0025267, MeSH D018761, MONDO:0007540, OMIM 131100.
Hereditary cancer-predisposing syndrome. Also called: Tumor predisposition; Neoplastic Syndromes, Hereditary; Hereditary Cancer Syndrome; Hereditary neoplastic syndrome. Identifiers: Orphanet 140162, MedGen C0027672, MeSH D009386, MONDO:0015356.

Submissions (3):

Labcorp Genetics (formerly Invitae), Labcorp
Classification: Likely benign for Multiple endocrine neoplasia, type 1. Last evaluated: 2024-12-10. Review status: criteria provided, single submitter. Criteria: Invitae Variant Classification Sherloc (09022015). Collection method: clinical testing. Allele origin: germline.

All of Us Research Program, National Institutes of Health
Classification: Likely benign for Multiple endocrine neoplasia, type 1. Last evaluated: 2024-01-11. Review status: criteria provided, single submitter. Criteria: ACMG Guidelines, 2015. Collection method: clinical testing. Allele origin: germline. Inheritance: Autosomal dominant inheritance. Observed: 2 variant alleles, 2 heterozygotes.
Comment: This study involves interpretation of variants in research participants for the purpose of population health screening. Participant phenotype was not available at the time of variant classification. Additional details can be found in publication PMID: 35346344, PMCID: PMC8962531

Ambry Genetics
Classification: Likely benign for Hereditary cancer-predisposing syndrome. Last evaluated: 2021-09-01. Review status: criteria provided, single submitter. Criteria: Ambry Variant Classification Scheme 2023. Collection method: clinical testing. Allele origin: germline.

NM_001370259.2(MEN1):c.216T>G (p.Pro72=)

Gene: MEN1 (menin 1; minus strand). Cytogenetic location: 11q13.1.
Variant type: single nucleotide variant.
Coding change: c.216T>G on transcript NM_001370259.2 (MANE Select); coding-DNA position 216, T replaced by G.
Protein change: p.Pro72=; no amino-acid change (proline 72 retained).
Molecular consequence: synonymous variant.
Genome position (GRCh38, 1-based): chr11:64,809,894, A>C on the plus strand (T>G on the coding strand, the complement: MEN1 is on the minus strand). VCF-style: chr11-64809894-A-C. GRCh37 (hg19) VCF-style: chr11-64577366-A-C.
Other names: c.216T>G, p.Pro72= (NM_000244.4, NM_001370251.2, NM_001370260.2 and 9 more transcripts).
Identifiers: ClinVar variation 1090390 (VCV001090390.12), dbSNP rs1592659467, ClinGen allele CA475163824.
Genomic context (GRCh38, chr11:64,809,894, plus strand): 5'-GCGGGCATAGAGGGCGGCGATGATAGACAGGTCGGCCACGGGAAAGTAGGTGAGGCCGCC[A>C]GGCGGGTCGGGGGCGGGGCTGGGCTGGAAGGTGAGCTCGGGAACGTTGGTAGGGATGACG-3'
Protein context (NP_001357188.2, residues 62-82): TFQPSPAPDP[Pro72=]GGLTYFPVAD